The following is an entry in ClinVar:

NM_001369.3(DNAH5):c.10933del (p.Arg3645fs)

Gene: DNAH5 (dynein axonemal heavy chain 5; minus strand). Cytogenetic location: 5p15.2.
Variant type: Deletion.
Coding change: c.10933del on transcript NM_001369.3 (MANE Select); coding-DNA position 10933, one base deleted (A; older notation c.10933delA).
Protein change: p.Arg3645fs; shifts the reading frame from arginine 3645.
Molecular consequence: frameshift variant.
Genome position (GRCh38, 1-based): chr5:13,752,229, T deleted on the plus strand (A on the coding strand, the reverse complement: DNAH5 is on the minus strand); the first of 2 consecutive T bases (chr5:13,752,229-13,752,230); deleting either gives the same sequence. VCF-style (leftmost placement, unchanged base first): chr5-13752228-CT-C. GRCh37 (hg19) VCF-style: chr5-13752337-CT-C.
Other names: short protein forms R3645fs.
Identifiers: ClinVar variation 1725577 (VCV001725577.2), dbSNP rs2546611820, ClinGen allele CA2580072141.

ClinVar aggregate classification (germline): Likely pathogenic (1 of 4 stars; one submission).

Conditions:
Primary ciliary dyskinesia 3. Identifiers: Orphanet 244, MedGen C1837618, MONDO:0012085, OMIM 608644.

Submission:

Myriad Genetics, Inc.
Classification: Likely pathogenic for Primary ciliary dyskinesia 3. Last evaluated: 2022-03-30. Review status: criteria provided, single submitter. Criteria: Myriad Women's Health Autosomal Recessive and X-Linked Classification Criteria (2021). Collection method: clinical testing. Allele origin: unknown.
Comment: NM_001369.2(DNAH5):c.10933delA(R3645Gfs*12) is expected to be pathogenic in the context of DNAH5-related primary ciliary dyskinesia. This variant is predicted to lead to an abnormal or absent protein product due to the creation of a premature termination codon in DNAH5, a gene where loss-of-function variants are known to be pathogenic. Please note: this variant was assessed in the context of healthy population screening.